The following is an entry in ClinVar:

ClinVar aggregate classification (germline): Uncertain significance (1 of 4 stars; one submission).

Submission:

Labcorp Genetics (formerly Invitae), Labcorp
Classification: Uncertain significance. Last evaluated: 2022-10-05. Review status: criteria provided, single submitter. Criteria: Invitae Variant Classification Sherloc (09022015). Collection method: clinical testing. Allele origin: germline.
Comment: In summary, the available evidence is currently insufficient to determine the role of this variant in disease. Therefore, it has been classified as a Variant of Uncertain Significance. This variant has not been reported in the literature in individuals affected with DDX58-related conditions. This variant is not present in population databases (gnomAD no frequency). This sequence change creates a premature translational stop signal (p.Leu248*) in the DDX58 gene. It is expected to result in an absent or disrupted protein product. However, the current clinical and genetic evidence is not sufficient to establish whether loss-of-function variants in DDX58 cause disease.

NM_014314.4(RIGI):c.743T>A (p.Leu248Ter)

Gene: RIGI (RNA sensor RIG-I; minus strand). Cytogenetic location: 9p21.1.
Variant type: single nucleotide variant.
Coding change: c.743T>A on transcript NM_014314.4 (MANE Select); coding-DNA position 743, T replaced by A.
Protein change: p.Leu248Ter; replaces leucine 248 with a stop codon.
Molecular consequence: nonsense.
Genome position (GRCh38, 1-based): chr9:32,489,400, A>T on the plus strand (T>A on the coding strand, the complement: RIGI is on the minus strand). VCF-style: chr9-32489400-A-T. GRCh37 (hg19) VCF-style: chr9-32489398-A-T.
Other names: c.743T>A, p.Leu248Ter (NM_001385907.1, NM_001385909.1); c.302T>A, p.Leu101Ter (NM_001385910.1); c.134T>A, p.Leu45Ter (NM_001385912.1); c.728T>A, p.Leu243Ter (NM_001385913.1); c.299T>A, p.Leu100Ter (NM_001385914.1); short protein forms L243*, L100*, L101*, L45*, L248*.
Identifiers: ClinVar variation 2034289 (VCV002034289.4), dbSNP rs2489334105, ClinGen allele CA373159175.